The following is an entry in ClinVar:

ClinVar aggregate classification (germline): Likely benign (1 of 4 stars; one submission).

Submission:

CeGaT Center for Human Genetics Tuebingen
Classification: Likely benign. Last evaluated: 2024-11-01. Review status: criteria provided, single submitter. Criteria: CeGaT Center For Human Genetics Tuebingen Variant Classification Criteria Version 2. Collection method: clinical testing. Allele origin: germline. Affected: yes. Observed: 1 variant allele.
Comment: ABTB1: BP4, BS2

NM_172027.3(ABTB1):c.394G>A (p.Val132Ile)

Gene: ABTB1 (ankyrin repeat and BTB domain containing 1; plus strand). Cytogenetic location: 3q21.3.
Variant type: single nucleotide variant.
Coding change: c.394G>A on transcript NM_172027.3 (MANE Select); coding-DNA position 394, G replaced by A.
Protein change: p.Val132Ile; replaces valine 132 with isoleucine.
Molecular consequence: missense variant. On other transcripts: 5 prime UTR variant (1), non-coding transcript variant (1).
Genome position (GRCh38, 1-based): chr3:127,676,345, G>A. VCF-style: chr3-127676345-G-A. GRCh37 (hg19) VCF-style: chr3-127395188-G-A.
Other names: c.-33G>A (NM_032548.4); short protein forms V132I.
Identifiers: ClinVar variation 3387886 (VCV003387886.14).